The following is an entry in ClinVar:

NM_020937.4(FANCM):c.2503G>T (p.Glu835Ter)

Gene: FANCM (FA complementation group M; plus strand). Cytogenetic location: 14q21.2.
Variant type: single nucleotide variant.
Coding change: c.2503G>T on transcript NM_020937.4 (MANE Select); coding-DNA position 2503, G replaced by T.
Protein change: p.Glu835Ter; replaces glutamic acid 835 with a stop codon.
Molecular consequence: nonsense.
Genome position (GRCh38, 1-based): chr14:45,175,257, G>T. VCF-style: chr14-45175257-G-T. GRCh37 (hg19) VCF-style: chr14-45644460-G-T.
Other names: c.2425G>T, p.Glu809Ter (NM_001308133.2); short protein forms E835*, E809*.
Identifiers: ClinVar variation 2740383 (VCV002740383.3), dbSNP rs2503181309, ClinGen allele CA389597989.

ClinVar aggregate classification (germline): Pathogenic (1 of 4 stars; one submission).

Conditions:
Fanconi anemia (FA). Also called: Fanconi's anemia. Identifiers: Orphanet 84, MedGen C0015625, MeSH D005199, MONDO:0019391.

Submission:

Labcorp Genetics (formerly Invitae), Labcorp
Classification: Pathogenic for Fanconi anemia. Last evaluated: 2023-06-14. Review status: criteria provided, single submitter. Criteria: Invitae Variant Classification Sherloc (09022015). Collection method: clinical testing. Allele origin: germline.
Comment: This sequence change creates a premature translational stop signal (p.Glu835*) in the FANCM gene. It is expected to result in an absent or disrupted protein product. Loss-of-function variants in FANCM are known to be pathogenic (PMID: 29895858, 30075111). This variant is not present in population databases (gnomAD no frequency). This variant has not been reported in the literature in individuals affected with FANCM-related conditions. For these reasons, this variant has been classified as Pathogenic.

Literature cited by the submitters: PubMed 29895858; PubMed 30075111.